The following is an entry in ClinVar:

ClinVar aggregate classification (germline): Uncertain significance (1 of 4 stars; one submission).

Conditions:
Hereditary cancer-predisposing syndrome. Also called: Neoplastic Syndromes, Hereditary; Tumor predisposition; Hereditary Cancer Syndrome; Hereditary neoplastic syndrome. Identifiers: Orphanet 140162, MedGen C0027672, MeSH D009386, MONDO:0015356.

Submission:

Ambry Genetics
Classification: Uncertain significance for Hereditary cancer-predisposing syndrome. Last evaluated: 2024-07-05. Review status: criteria provided, single submitter. Criteria: Ambry Variant Classification Scheme 2023. Collection method: clinical testing. Allele origin: germline.
Comment: The c.1228_1239del12 variant (also known as p.W410_R413del) is located in coding exon 13 of the POLE gene. This variant results from an in-frame TGGGTGAAGAGG deletion at nucleotide positions 1228 to 1239. This results in the in-frame deletion of four amino acids (WVKR) at codons 410 to 413. This amino acid region is highly conserved in available vertebrate species. In addition, this alteration is predicted to be deleterious by in silico analysis (Choi Y et al. PLoS ONE. 2012; 7(10):e46688). Since supporting evidence is limited at this time, the clinical significance of this alteration remains unclear.

NM_006231.2:c.1228_1239del12

Gene: POLE (DNA polymerase epsilon, catalytic subunit; minus strand).
Variant type: Deletion.
Identifiers: ClinVar variation 3422098 (VCV003422098.1).